The following is an entry in ClinVar:

NM_000557.5(GDF5):c.772G>A (p.Gly258Arg)

Genes: GDF5 (growth differentiation factor 5; minus strand), GDF5-AS1 (GDF5 antisense RNA 1; plus strand). Cytogenetic location: 20q11.22.
Variant type: single nucleotide variant.
Coding change: c.772G>A on transcript NM_000557.5 (MANE Select); coding-DNA position 772, G replaced by A.
Protein change: p.Gly258Arg; replaces glycine 258 with arginine.
Molecular consequence: missense variant. On other transcripts: non-coding transcript variant (1).
Genome position (GRCh38, 1-based): chr20:35,434,643, C>T on the plus strand (G>A on the coding strand, the complement: GDF5 is on the minus strand). VCF-style: chr20-35434643-C-T. GRCh37 (hg19) VCF-style: chr20-34022441-C-T.
Other names: c.772G>A, p.Gly258Arg (NM_001319138.2); short protein forms G258R.
Identifiers: ClinVar variation 4620699 (VCV004620699.2).

ClinVar aggregate classification (germline): Uncertain significance. Review status: criteria provided, multiple submitters, no conflicts (2 of 4 stars). 2 submissions from 2 submitters: Uncertain significance (2). Last evaluated 2025-10-22.

Conditions:
Inborn genetic diseases. Identifiers: MedGen C0950123, MeSH D030342.

gnomAD v4.1: 3 of 1,608,424 alleles (0.00019%); highest among the groups gnomAD compares: African/African-American, 0.0027%; no homozygotes.

Submissions (2):

Ambry Genetics
Classification: Uncertain significance for Inborn genetic diseases. Last evaluated: 2025-10-22. Review status: criteria provided, single submitter. Criteria: Ambry Variant Classification Scheme 2023. Collection method: clinical testing. Allele origin: germline.

Labcorp Genetics (formerly Invitae), Labcorp
Classification: Uncertain significance. Last evaluated: 2025-10-14. Review status: criteria provided, single submitter. Criteria: Invitae Variant Classification Sherloc (09022015). Collection method: clinical testing. Allele origin: germline.
Comment: This sequence change replaces glycine, which is neutral and non-polar, with arginine, which is basic and polar, at codon 258 of the GDF5 protein (p.Gly258Arg). This variant is present in population databases (rs777456851, gnomAD 0.004%). This variant has not been reported in the literature in individuals affected with GDF5-related conditions. Invitae Evidence Modeling of protein sequence and biophysical properties (such as structural, functional, and spatial information, amino acid conservation, physicochemical variation, residue mobility, and thermodynamic stability) indicates that this missense variant is not expected to disrupt GDF5 protein function with a negative predictive value of 80%. In summary, the available evidence is currently insufficient to determine the role of this variant in disease. Therefore, it has been classified as a Variant of Uncertain Significance.